The following is an entry in ClinVar:

NM_001184.4(ATR):c.3892G>A (p.Asp1298Asn)

Gene: ATR (ATR checkpoint kinase; minus strand). Cytogenetic location: 3q23.
Variant type: single nucleotide variant.
Coding change: c.3892G>A on transcript NM_001184.4 (MANE Select); coding-DNA position 3892, G replaced by A.
Protein change: p.Asp1298Asn; replaces aspartic acid 1298 with asparagine.
Molecular consequence: missense variant.
Genome position (GRCh38, 1-based): chr3:142,535,133, C>T on the plus strand (G>A on the coding strand, the complement: ATR is on the minus strand). VCF-style: chr3-142535133-C-T. GRCh37 (hg19) VCF-style: chr3-142253975-C-T.
Other names: c.3700G>A, p.Asp1234Asn (NM_001354579.2); short protein forms D1234N, D1298N.
Identifiers: ClinVar variation 2447351 (VCV002447351.2), dbSNP rs1406692405, ClinGen allele CA354806120.
Genomic context (GRCh38, chr3:142,535,133, plus strand): 5'-AGCATACCTGATTTTTATACAAGGTTTCCTTCAAGCTTGTAAGAGCATGAATACGAACAT[C>T]GACATTTTCATGTTGAATGGCCTTCATAGAGAGCTGAAGAGTTGTCTGAAGATCAGTGCT-3'
Protein context (NP_001175.2, residues 1288-1308): SMKAIQHENV[Asp1298Asn]VRIHALTSLK

ClinVar aggregate classification (germline): Uncertain significance (1 of 4 stars; one submission).

Conditions:
Inborn genetic diseases. Identifiers: MedGen C0950123, MeSH D030342.

Allele frequency attached by ClinVar (database versions not stated): gnomAD 0.00001; TOPMed 0.00001.
gnomAD v4.1: 4 of 1,612,932 alleles (0.00025%); highest among the groups gnomAD compares: Non-Finnish European, 0.00034%; no homozygotes.

Submission:

Ambry Genetics
Classification: Uncertain significance for Inborn genetic diseases. Last evaluated: 2023-03-02. Review status: criteria provided, single submitter. Criteria: Ambry Variant Classification Scheme 2023. Collection method: clinical testing. Allele origin: germline.
Comment: The p.D1298N variant (also known as c.3892G>A), located in coding exon 21 of the ATR gene, results from a G to A substitution at nucleotide position 3892. The aspartic acid at codon 1298 is replaced by asparagine, an amino acid with highly similar properties. This amino acid position is conserved. In addition, this alteration is predicted to be tolerated by in silico analysis. Since supporting evidence is limited at this time, the clinical significance of this alteration remains unclear.